The following is an entry in ClinVar:

ClinVar aggregate classification (germline): Conflicting classifications of pathogenicity. Review status: criteria provided, conflicting classifications (1 of 4 stars). 3 submissions from 3 submitters: Uncertain significance (2); Likely benign (1). Last evaluated 2025-01-06.

Conditions:
Migraine, familial hemiplegic, 1. Also called: MIGRAINE, FAMILIAL HEMIPLEGIC 1, WITH PROGRESSIVE CEREBELLAR ATAXIA. Identifiers: Orphanet 569, MedGen C1832884, MONDO:0020756, OMIM 141500, MONDO:0007714.
Developmental and epileptic encephalopathy, 42 (DEE42A). Also called: DEVELOPMENTAL AND EPILEPTIC ENCEPHALOPATHY 42A; EPILEPTIC ENCEPHALOPATHY, EARLY INFANTILE, 42A; Epileptic encephalopathy, early infantile, 42. Identifiers: MedGen C4310716, MONDO:0014917, OMIM 617106.
Episodic ataxia type 2 (EA2). Also called: CEREBELLAR ATAXIA, PAROXYSMAL, ACETAZOLAMIDE-RESPONSIVE; CEREBELLOPATHY, HEREDITARY PAROXYSMAL; EPISODIC ATAXIA, NYSTAGMUS-ASSOCIATED; ACETAZOLAMIDE-RESPONSIVE HEREDITARY PAROXYSMAL CEREBELLAR ATAXIA; ATAXIA, EPISODIC, WITH NYSTAGMUS; ATAXIA, FAMILIAL PAROXYSMAL. Identifiers: Orphanet 97, MedGen C1720416, MONDO:0007163, OMIM 108500.

Allele frequency attached by ClinVar (database versions not stated): gnomAD exomes 0.00003; TOPMed below 0.00001; ExAC 0.00003.
gnomAD v4.1: 43 of 1,576,438 alleles (0.0027%); highest among the groups gnomAD compares: South Asian, 0.0068%; no homozygotes.

Submissions (3):

Labcorp Genetics (formerly Invitae), Labcorp
Classification: Likely benign for Developmental and epileptic encephalopathy, 42; Episodic ataxia type 2. Last evaluated: 2025-01-06. Review status: criteria provided, single submitter. Criteria: Invitae Variant Classification Sherloc (09022015). Collection method: clinical testing. Allele origin: germline.

GeneDx
Classification: Uncertain significance. Last evaluated: 2025-01-03. Review status: criteria provided, single submitter. Criteria: GeneDx Variant Classification Process June 2021. Collection method: clinical testing. Allele origin: germline. Affected: yes.
Comment: In silico analysis, which includes protein predictors and evolutionary conservation, supports that this variant does not alter protein structure/function; Has not been previously published as pathogenic or benign to our knowledge

Centre for Mendelian Genomics, University Medical Centre Ljubljana
Classification: Uncertain significance for Migraine, familial hemiplegic, 1. Last evaluated: 2019-08-22. Review status: criteria provided, single submitter. Criteria: ACMG Guidelines, 2015. Collection method: clinical testing. Allele origin: unknown. Affected: yes.
Comment: This variant was classified as: Uncertain significance. The available evidence on this variant's pathogenicity is insufficient or conflicting. The following ACMG criteria were applied in classifying this variant: BS2.

NM_001127222.2(CACNA1A):c.2804G>A (p.Arg935Gln)

Gene: CACNA1A (calcium voltage-gated channel subunit alpha1 A; minus strand). Cytogenetic location: 19p13.13.
Variant type: single nucleotide variant.
Coding change: c.2804G>A on transcript NM_001127222.2 (MANE Select); coding-DNA position 2804, G replaced by A.
Protein change: p.Arg935Gln; replaces arginine 935 with glutamine.
Molecular consequence: missense variant.
Genome position (GRCh38, 1-based): chr19:13,298,829, C>T on the plus strand (G>A on the coding strand, the complement: CACNA1A is on the minus strand). VCF-style: chr19-13298829-C-T. GRCh37 (hg19) VCF-style: chr19-13409643-C-T.
Other names: c.2816G>A, p.Arg939Gln (NM_000068.4, NM_023035.3); c.2807G>A, p.Arg936Gln (NM_001127221.2, NM_001174080.2); short protein forms R936Q, R939Q, R935Q.
Identifiers: ClinVar variation 931618 (VCV000931618.11), dbSNP rs768048563, ClinGen allele CA9240473.